The following is an entry in ClinVar:

NM_017654.4(SAMD9):c.1240A>T (p.Ile414Phe)

Gene: SAMD9 (sterile alpha motif domain containing 9; minus strand). Cytogenetic location: 7q21.2.
Variant type: single nucleotide variant.
Coding change: c.1240A>T on transcript NM_017654.4 (MANE Select); coding-DNA position 1240, A replaced by T.
Protein change: p.Ile414Phe; replaces isoleucine 414 with phenylalanine.
Molecular consequence: missense variant.
Genome position (GRCh38, 1-based): chr7:93,104,858, T>A on the plus strand (A>T on the coding strand, the complement: SAMD9 is on the minus strand). VCF-style: chr7-93104858-T-A. GRCh37 (hg19) VCF-style: chr7-92734171-T-A.
Other names: c.1240A>T, p.Ile414Phe (NM_001193307.2); c.1240A>T (NM_017654.3); short protein forms I414F.
Identifiers: ClinVar variation 3768960 (VCV003768960.2).
Genomic context (GRCh38, chr7:93,104,858, plus strand): 5'-TTTCCTTCAGGAAATCTAAGTGTTTTGTTTGATCTGGGTGGCATTTATTTGTTACAAGAA[T>A]GTACTGTTCATAGTATGAATTATCTAACAAATCTTGATTTCCTGTCAATAATTTAACCAA-3'
Protein context (NP_060124.2, residues 404-424): LLDNSYYEQY[Ile414Phe]LVTNKCHPDQ

ClinVar aggregate classification (germline): Uncertain significance. Review status: criteria provided, multiple submitters, no conflicts (2 of 4 stars). 2 submissions from 2 submitters: Uncertain significance (2). Last evaluated 2025-03-04.

Conditions:
Inborn genetic diseases. Identifiers: MedGen C0950123, MeSH D030342.

gnomAD v4.1: 1 of 1,613,660 alleles (0.000062%); highest among the groups gnomAD compares: African/African-American, 0.0013%; no homozygotes.

Submissions (2):

Ambry Genetics
Classification: Uncertain significance for Inborn genetic diseases. Last evaluated: 2025-03-04. Review status: criteria provided, single submitter. Criteria: Ambry Variant Classification Scheme 2023. Collection method: clinical testing. Allele origin: germline.
Comment: The p.I414F variant (also known as c.1240A>T), located in coding exon 1 of the SAMD9 gene, results from an A to T substitution at nucleotide position 1240. The isoleucine at codon 414 is replaced by phenylalanine, an amino acid with highly similar properties. This amino acid position is conserved. In addition, this alteration is predicted to be tolerated by in silico analysis. Based on the available evidence, the clinical significance of this variant remains unclear.

Women's Health and Genetics/Laboratory Corporation of America, LabCorp
Classification: Uncertain significance. Last evaluated: 2025-02-19. Review status: criteria provided, single submitter. Criteria: LabCorp Variant Classification Summary - May 2015. Collection method: clinical testing. Allele origin: germline.
Comment: Variant summary: SAMD9 c.1240A>T (p.Ile414Phe) results in a non-conservative amino acid change in the encoded protein sequence. Four of five in-silico tools predict a damaging effect of the variant on protein function. The variant was absent in 250250 control chromosomes. The available data on variant occurrences in the general population are insufficient to allow any conclusion about variant significance. To our knowledge, no occurrence of c.1240A>T in individuals affected with MIRAGE Syndrome and no experimental evidence demonstrating its impact on protein function have been reported. No submitters have cited clinical-significance assessments for this variant to ClinVar. Based on the evidence outlined above, the variant was classified as uncertain significance.